The following is an entry in ClinVar:

NM_004444.5(EPHB4):c.796A>G (p.Thr266Ala)

Gene: EPHB4 (EPH receptor B4; minus strand). Cytogenetic location: 7q22.1.
Variant type: single nucleotide variant.
Coding change: c.796A>G on transcript NM_004444.5 (MANE Select); coding-DNA position 796, A replaced by G.
Protein change: p.Thr266Ala; replaces threonine 266 with alanine.
Molecular consequence: missense variant.
Genome position (GRCh38, 1-based): chr7:100,822,283, T>C on the plus strand (A>G on the coding strand, the complement: EPHB4 is on the minus strand). VCF-style: chr7-100822283-T-C. GRCh37 (hg19) VCF-style: chr7-100419905-T-C.
Other names: short protein forms T266A.
Identifiers: ClinVar variation 3224293 (VCV003224293.1), dbSNP rs2485044561, ClinGen allele CA368579582.

ClinVar aggregate classification (germline): Uncertain significance (1 of 4 stars; one submission).

Conditions:
Cardiovascular phenotype. Identifiers: MedGen CN230736.

Allele frequency attached by ClinVar (database versions not stated): gnomAD exomes below 0.00001.
gnomAD v4.1: 5 of 1,561,848 alleles (0.00032%); highest among the groups gnomAD compares: South Asian, 0.0012%; no homozygotes.

Submission:

Ambry Genetics
Classification: Uncertain significance for Cardiovascular phenotype. Last evaluated: 2024-03-11. Review status: criteria provided, single submitter. Criteria: Ambry Variant Classification Scheme 2023. Collection method: clinical testing. Allele origin: germline.
Comment: The p.T266A variant (also known as c.796A>G), located in coding exon 4 of the EPHB4 gene, results from an A to G substitution at nucleotide position 796. The threonine at codon 266 is replaced by alanine, an amino acid with similar properties. This amino acid position is conserved. In addition, the in silico prediction for this alteration is inconclusive. Based on the available evidence, the clinical significance of this alteration remains unclear.